The following is an entry in ClinVar:

ClinVar aggregate classification (germline): Uncertain significance (1 of 4 stars; one submission).

Allele frequency attached by ClinVar (database versions not stated): ExAC 0.00001; gnomAD 0.00001; gnomAD exomes 0.00001.
gnomAD v4.1: 18 of 1,612,098 alleles (0.0011%); highest among the groups gnomAD compares: South Asian, 0.0055%; no homozygotes.

Submission:

Labcorp Genetics (formerly Invitae), Labcorp
Classification: Uncertain significance. Last evaluated: 2024-08-19. Review status: criteria provided, single submitter. Criteria: Invitae Variant Classification Sherloc (09022015). Collection method: clinical testing. Allele origin: germline.
Comment: This sequence change replaces arginine, which is basic and polar, with glutamine, which is neutral and polar, at codon 800 of the PIK3C2A protein (p.Arg800Gln). This variant also falls at the last nucleotide of exon 13, which is part of the consensus splice site for this exon. This variant is present in population databases (rs767613014, gnomAD 0.004%). This variant has not been reported in the literature in individuals affected with PIK3C2A-related conditions. ClinVar contains an entry for this variant (Variation ID: 1935664). An algorithm developed to predict the effect of missense changes on protein structure and function (PolyPhen-2) suggests that this variant¬†is likely to be tolerated. Variants that disrupt the consensus splice site are a relatively common cause of aberrant splicing (PMID: 17576681, 9536098). Algorithms developed to predict the effect of sequence changes on RNA splicing suggest that this variant may disrupt the consensus splice site. In summary, the available evidence is currently insufficient to determine the role of this variant in disease. Therefore, it has been classified as a Variant of Uncertain Significance.

Literature cited by the submitters: PubMed 17576681; PubMed 9536098.

NM_002645.4(PIK3C2A):c.2399G>A (p.Arg800Gln)

Gene: PIK3C2A (phosphatidylinositol-4-phosphate 3-kinase catalytic subunit type 2 alpha; minus strand). Cytogenetic location: 11p15.1.
Variant type: single nucleotide variant.
Coding change: c.2399G>A on transcript NM_002645.4 (MANE Select); coding-DNA position 2399, G replaced by A.
Protein change: p.Arg800Gln; replaces arginine 800 with glutamine.
Molecular consequence: missense variant. On other transcripts: intron variant (1).
Genome position (GRCh38, 1-based): chr11:17,129,300, C>T on the plus strand (G>A on the coding strand, the complement: PIK3C2A is on the minus strand). VCF-style: chr11-17129300-C-T. GRCh37 (hg19) VCF-style: chr11-17150847-C-T.
Other names: c.2399G>A, p.Arg800Gln (NM_001321378.2); c.1259G>A, p.Arg420Gln (NM_001321380.2); c.2231+2616G>A (NM_001386870.1); short protein forms R420Q, R800Q.
Identifiers: ClinVar variation 1935664 (VCV001935664.4), dbSNP rs767613014, ClinGen allele CA5901117.